The following is an entry in ClinVar:

ClinVar aggregate classification (germline): Uncertain significance (1 of 4 stars; one submission).

Conditions:
Generalized epilepsy with febrile seizures plus, type 7 (GEFSP7). Also called: GEFS+, TYPE 7. Identifiers: Orphanet 36387, MedGen C2751778, MONDO:0013470, OMIM 613863.
Neuropathy, hereditary sensory and autonomic, type 2A (HSAN2A). Also called: HSAN IIA; NEUROPATHY, CONGENITAL SENSORY; NEUROPATHY, HEREDITARY SENSORY RADICULAR, AUTOSOMAL RECESSIVE; NEUROPATHY, HEREDITARY SENSORY, TYPE IIA; NEUROPATHY, PROGRESSIVE SENSORY, OF CHILDREN; MORVAN DISEASE. Identifiers: Orphanet 970, MedGen C2752089, MONDO:0024309, OMIM 201300.

Allele frequency attached by ClinVar (database versions not stated): gnomAD exomes below 0.00001.
gnomAD v4.1: 1 of 1,588,456 alleles (0.000063%); highest among the groups gnomAD compares: Non-Finnish European, 0.000086%; no homozygotes.

Submission:

Labcorp Genetics (formerly Invitae), Labcorp
Classification: Uncertain significance for Neuropathy, hereditary sensory and autonomic, type 2A; Generalized epilepsy with febrile seizures plus, type 7. Last evaluated: 2021-06-05. Review status: criteria provided, single submitter. Criteria: Invitae Variant Classification Sherloc (09022015). Collection method: clinical testing. Allele origin: germline.
Comment: In summary, the available evidence is currently insufficient to determine the role of this variant in disease. Therefore, it has been classified as a Variant of Uncertain Significance. Algorithms developed to predict the effect of missense changes on protein structure and function (SIFT, PolyPhen-2, Align-GVGD) all suggest that this variant is likely to be tolerated, but these predictions have not been confirmed by published functional studies and their clinical significance is uncertain. This variant has not been reported in the literature in individuals with SCN9A-related conditions. This variant is not present in population databases (ExAC no frequency). This sequence change replaces alanine with valine at codon 738 of the SCN9A protein (p.Ala738Val). The alanine residue is highly conserved and there is a small physicochemical difference between alanine and valine.

NM_001365536.1(SCN9A):c.2246C>T (p.Ala749Val)

Genes: SCN9A (sodium voltage-gated channel alpha subunit 9; minus strand), SCN1A-AS1 (SCN1A and SCN9A antisense RNA 1; plus strand). Cytogenetic location: 2q24.3.
Variant type: single nucleotide variant.
Coding change: c.2246C>T on transcript NM_001365536.1 (MANE Select); coding-DNA position 2246, C replaced by T.
Protein change: p.Ala749Val; replaces alanine 749 with valine.
Molecular consequence: missense variant.
Genome position (GRCh38, 1-based): chr2:166,280,454, G>A on the plus strand (C>T on the coding strand, the complement: SCN9A is on the minus strand). VCF-style: chr2-166280454-G-A. GRCh37 (hg19) VCF-style: chr2-167136964-G-A.
Other names: c.2213C>T, p.Ala738Val (NM_002977.4); short protein forms A749V, A738V.
Identifiers: ClinVar variation 1358960 (VCV001358960.8), dbSNP rs200922731, ClinGen allele CA349079636.
Genomic context (GRCh38, chr2:166,280,454, plus strand): 5'-GTCATTGGGTGGTGTTCCATAGCCATAAATAATGTGTTTAAAACTATGCAAATGGTAATT[G>A]CAAGATCTACAAAAGGATCCATTACAATAAAATAGATACACTTTTTGAATTTTATCCAAT-3'
Protein context (NP_001352465.1, residues 739-759): FIVMDPFVDL[Ala749Val]ITICIVLNTL